The following is an entry in ClinVar:

NM_014336.5(AIPL1):c.238C>T (p.Arg80Trp)

Gene: AIPL1 (AIP like 1 HSP90 co-chaperone; minus strand). Cytogenetic location: 17p13.2.
Variant type: single nucleotide variant.
Coding change: c.238C>T on transcript NM_014336.5 (MANE Select); coding-DNA position 238, C replaced by T.
Protein change: p.Arg80Trp; replaces arginine 80 with tryptophan.
Molecular consequence: missense variant. On other transcripts: intron variant (1).
Genome position (GRCh38, 1-based): chr17:6,433,957, G>A on the plus strand (C>T on the coding strand, the complement: AIPL1 is on the minus strand). VCF-style: chr17-6433957-G-A. GRCh37 (hg19) VCF-style: chr17-6337277-G-A.
Other names: c.238C>T, p.Arg80Trp (NM_001033054.3, NM_001285401.3, NM_001285403.4); c.202C>T, p.Arg68Trp (NM_001285399.3); c.172C>T, p.Arg58Trp (NM_001285400.3); c.121C>T, p.Arg41Trp (NM_001285402.2); c.96+1052C>T (NM_001033055.3); short protein forms R80W, R41W, R68W, R58W.
Identifiers: ClinVar variation 566075 (VCV000566075.11), dbSNP rs748210823, ClinGen allele CA8328589.
Genomic context (GRCh38, chr17:6,433,957, plus strand): 5'-CAGGCGCGCAGGGCCTACTTACGATGGTGTCGCACCAGAACTCGGCCACCTCGTGCACCC[G>A]CATGGAGGTAAGCAGGATCTCCCAGACCTCGAGCTTGAACATGTTTCCGATGATGATGTG-3'
Protein context (NP_055151.3, residues 70-90): EVWEILLTSM[Arg80Trp]VHEVAEFWCD

ClinVar aggregate classification (germline): Pathogenic/Likely pathogenic. Review status: criteria provided, multiple submitters, no conflicts (2 of 4 stars). 3 submissions from 3 submitters: Pathogenic (2); Likely pathogenic (1). Last evaluated 2025-09-08.

Conditions:
Leber congenital amaurosis 4 (LCA4). Identifiers: MedGen C1858386, MONDO:0011458, OMIM 604393.
Leber congenital amaurosis (LCA). Also called: Leber's amaurosis. Identifiers: Orphanet 65, MedGen C0339527, MeSH D057130, MONDO:0018998.

Allele frequency attached by ClinVar (database versions not stated): TOPMed 0.00002.
gnomAD v4.1: 6 of 1,614,002 alleles (0.00037%); highest among the groups gnomAD compares: African/African-American, 0.0013%; no homozygotes.

Submissions (3):

Labcorp Genetics (formerly Invitae), Labcorp
Classification: Pathogenic for Leber congenital amaurosis 4. Last evaluated: 2025-09-08. Review status: criteria provided, single submitter. Criteria: Invitae Variant Classification Sherloc (09022015). Collection method: clinical testing. Allele origin: germline.
Comment: This sequence change replaces arginine, which is basic and polar, with tryptophan, which is neutral and slightly polar, at codon 80 of the AIPL1 protein (p.Arg80Trp). The frequency data for this variant in the population databases is considered unreliable, as metrics indicate poor data quality at this position in the gnomAD database. This missense change has been observed in individual(s) with AIPL1-related conditions (PMID: 32531858; internal data). In at least one individual the data is consistent with being in trans (on the opposite chromosome) from a pathogenic variant. ClinVar contains an entry for this variant (Variation ID: 566075). Invitae Evidence Modeling of protein sequence and biophysical properties (such as structural, functional, and spatial information, amino acid conservation, physicochemical variation, residue mobility, and thermodynamic stability) indicates that this missense variant is expected to disrupt AIPL1 protein function with a positive predictive value of 95%. For these reasons, this variant has been classified as Pathogenic.

Women's Health and Genetics/Laboratory Corporation of America, LabCorp
Classification: Likely pathogenic for Leber congenital amaurosis. Last evaluated: 2025-06-09. Review status: criteria provided, single submitter. Criteria: LabCorp Variant Classification Summary - May 2015. Collection method: clinical testing. Allele origin: germline.
Comment: Variant summary: AIPL1 c.238C>T (p.Arg80Trp) results in a non-conservative amino acid change in the encoded protein sequence. Algorithms developed to predict the effect of missense changes on protein structure and function all suggest that this variant is likely to be disruptive. The variant allele was found at a frequency of 1.6e-05 in 250974 control chromosomes. c.238C>T has been observed in individuals affected with Leber Congenital Amaurosis (e.g., Weisschuh_2020, internal data). These data indicate that the variant is likely to be associated with disease. To our knowledge, no experimental evidence demonstrating an impact on protein function has been reported. The following publication has been ascertained in the context of this evaluation (PMID: 32531858). ClinVar contains an entry for this variant (Variation ID: 566075). Based on the evidence outlined above, the variant was classified as likely pathogenic.

Molecular Genetics Laboratory, Institute for Ophthalmic Research
Classification: Pathogenic for Leber congenital amaurosis. Last evaluated: 2020-01-09. Review status: criteria provided, single submitter. Criteria: ACMG Guidelines, 2015. Collection method: research. Allele origin: germline. Affected: yes.

Literature cited by the submitters: PubMed 32531858 (cited by Labcorp Genetics (formerly Invitae), Labcorp and Women's Health and Genetics/Laboratory Corporation of America, LabCorp).